The following is an entry in ClinVar:

ClinVar aggregate classification (germline): Likely benign. Review status: criteria provided, multiple submitters, no conflicts (2 of 4 stars). 3 submissions from 3 submitters: Likely benign (2). 1 of the submissions does not count toward it. Last evaluated 2025-04-17.

Conditions:
Bardet-Biedl syndrome (BBS). Identifiers: Orphanet 110, MedGen C0752166, MONDO:0015229.
BBS4-related disorder. Also called: BBS4-related condition.

Allele frequency attached by ClinVar (database versions not stated): gnomAD exomes 0.00001; ExAC 0.00002; TOPMed 0.00002; gnomAD 0.00003 and 0.00004; ESP Exome Variant Server 0.00008.
gnomAD v4.1: 18 of 1,613,662 alleles (0.0011%); highest among the groups gnomAD compares: African/African-American, 0.008%; no homozygotes.

Submissions (3):

Labcorp Genetics (formerly Invitae), Labcorp
Classification: Likely benign for Bardet-Biedl syndrome. Last evaluated: 2025-04-17. Review status: criteria provided, single submitter. Criteria: Invitae Variant Classification Sherloc (09022015). Collection method: clinical testing. Allele origin: germline.

Blueprint Genetics
Classification: Likely benign. Last evaluated: 2024-03-14. Review status: criteria provided, single submitter. Criteria: ACMG Guidelines, 2015. Collection method: clinical testing. Allele origin: germline.

PreventionGenetics, part of Exact Sciences
Classification: Likely benign for BBS4-related condition. Last evaluated: 2020-10-14. Review status: no assertion criteria provided. Collection method: clinical testing. Allele origin: germline. Not counted in ClinVar's aggregate classification.
Comment: This variant is classified as likely benign based on ACMG/AMP sequence variant interpretation guidelines (Richards et al. 2015 PMID: 25741868, with internal and published modifications).

NM_033028.5(BBS4):c.645C>T (p.Leu215=)

Gene: BBS4 (Bardet-Biedl syndrome 4; plus strand). Cytogenetic location: 15q24.1.
Variant type: single nucleotide variant.
Coding change: c.645C>T on transcript NM_033028.5 (MANE Select); coding-DNA position 645, C replaced by T.
Protein change: p.Leu215=; no amino-acid change (leucine 215 retained).
Molecular consequence: synonymous variant. On other transcripts: non-coding transcript variant (2), intron variant (1).
Genome position (GRCh38, 1-based): chr15:72,729,618, C>T. VCF-style: chr15-72729618-C-T. GRCh37 (hg19) VCF-style: chr15-73021959-C-T.
Other names: c.129C>T, p.Leu43= (NM_001252678.2); c.642+1624C>T (NM_001320665.2); c.645C>T (NM_033028.4).
Identifiers: ClinVar variation 1592469 (VCV001592469.11), dbSNP rs373731535, ClinGen allele CA7646720.